The following is an entry in ClinVar:

ClinVar aggregate classification (germline): Uncertain significance (1 of 4 stars; one submission).

Allele frequency attached by ClinVar (database versions not stated): gnomAD exomes below 0.00001; gnomAD 0.00001; TOPMed 0.00002.
gnomAD v4.1: 2 of 1,614,020 alleles (0.00012%); highest among the groups gnomAD compares: African/African-American, 0.0027%; no homozygotes.

Submission:

Labcorp Genetics (formerly Invitae), Labcorp
Classification: Uncertain significance. Last evaluated: 2022-01-13. Review status: criteria provided, single submitter. Criteria: Invitae Variant Classification Sherloc (09022015). Collection method: clinical testing. Allele origin: germline.
Comment: In summary, the available evidence is currently insufficient to determine the role of this variant in disease. Therefore, it has been classified as a Variant of Uncertain Significance. Algorithms developed to predict the effect of missense changes on protein structure and function (SIFT, PolyPhen-2, Align-GVGD) all suggest that this variant is likely to be disruptive. ClinVar contains an entry for this variant (Variation ID: 1042043). This variant has not been reported in the literature in individuals affected with PHYH-related conditions. This variant is present in population databases (no rsID available, gnomAD 0.008%). This sequence change replaces lysine, which is basic and polar, with threonine, which is neutral and polar, at codon 276 of the PHYH protein (p.Lys276Thr).

NM_006214.4(PHYH):c.827A>C (p.Lys276Thr)

Gene: PHYH (phytanoyl-CoA 2-hydroxylase; minus strand). Cytogenetic location: 10p13.
Variant type: single nucleotide variant.
Coding change: c.827A>C on transcript NM_006214.4 (MANE Select); coding-DNA position 827, A replaced by C.
Protein change: p.Lys276Thr; replaces lysine 276 with threonine.
Molecular consequence: missense variant.
Genome position (GRCh38, 1-based): chr10:13,283,691, T>G on the plus strand (A>C on the coding strand, the complement: PHYH is on the minus strand). VCF-style: chr10-13283691-T-G. GRCh37 (hg19) VCF-style: chr10-13325691-T-G.
Other names: c.527A>C, p.Lys176Thr (NM_001037537.2, NM_001323080.2); c.833A>C, p.Lys278Thr (NM_001323082.2); c.563A>C, p.Lys188Thr (NM_001323083.2); c.533A>C, p.Lys178Thr (NM_001323084.2); short protein forms K188T, K276T, K176T, K178T, K278T.
Identifiers: ClinVar variation 1042043 (VCV001042043.8), dbSNP rs1454371975, ClinGen allele CA376034042.